The following is an entry in ClinVar:

NM_138694.4(PKHD1):c.9492C>T (p.Ser3164=)

Gene: PKHD1 (PKHD1 ciliary IPT domain containing fibrocystin/polyductin; minus strand). Cytogenetic location: 6p12.3.
Variant type: single nucleotide variant.
Coding change: c.9492C>T on transcript NM_138694.4 (MANE Select); coding-DNA position 9492, C replaced by T.
Protein change: p.Ser3164=; no amino-acid change (serine 3164 retained).
Molecular consequence: synonymous variant.
Genome position (GRCh38, 1-based): chr6:51,748,124, G>A on the plus strand (C>T on the coding strand, the complement: PKHD1 is on the minus strand). VCF-style: chr6-51748124-G-A. GRCh37 (hg19) VCF-style: chr6-51612922-G-A.
Other names: c.9492C>T, p.Ser3164= (NM_170724.3).
Identifiers: ClinVar variation 96443 (VCV000096443.30), dbSNP rs17752991, ClinGen allele CA149537.

ClinVar aggregate classification (germline): Benign/Likely benign. Review status: criteria provided, multiple submitters, no conflicts (2 of 4 stars). 9 submissions from 9 submitters: Benign (4); Likely benign (3). 2 of the submissions do not count toward it. Last evaluated 2026-02-04.

Conditions:
Polycystic kidney disease 4 (PKD4). Also called: POLYCYSTIC KIDNEY AND HEPATIC DISEASE 1; POLYCYSTIC KIDNEY DISEASE, INFANTILE, TYPE I; POLYCYSTIC KIDNEY DISEASE 4 WITH OR WITHOUT POLYCYSTIC LIVER DISEASE; PKD3; Autosomal Recessive Polycystic Kidney Disease – PKHD1. Identifiers: MedGen C4540575, MONDO:0033004, OMIM 263200.
Autosomal recessive polycystic kidney disease (ARPKD). Also called: AR polycystic kidney disease. Identifiers: Orphanet 731, Orphanet 8378, MedGen C0085548, MeSH D017044, MONDO:0009889.

Allele frequency attached by ClinVar (database versions not stated): ESP Exome Variant Server 0.00008; gnomAD 0.00084 and 0.00109; gnomAD exomes 0.00089 and 0.00182; TOPMed 0.00154; ExAC 0.00176; 1000 Genomes Project 30x 0.00328; 1000 Genomes Project 0.00399.
gnomAD v4.1: 1,486 of 1,613,830 alleles (0.092%); highest among the groups gnomAD compares: East Asian, 2.4%; 4 homozygotes.

Submissions (9):

Labcorp Genetics (formerly Invitae), Labcorp
Classification: Benign for Autosomal recessive polycystic kidney disease. Last evaluated: 2026-02-04. Review status: criteria provided, single submitter. Criteria: Invitae Variant Classification Sherloc (09022015). Collection method: clinical testing. Allele origin: germline.

Blueprint Genetics
Classification: Likely benign. Last evaluated: 2024-11-06. Review status: criteria provided, single submitter. Criteria: ACMG Guidelines, 2015. Collection method: clinical testing. Allele origin: germline.

Department of Pathology and Laboratory Medicine, Sinai Health System
Classification: Benign for Polycystic kidney disease 4. Last evaluated: 2021-07-12. Review status: criteria provided, single submitter. Criteria: ACMG Guidelines, 2015. Collection method: clinical testing. Allele origin: germline.

GeneDx
Classification: Likely benign. Last evaluated: 2021-03-23. Review status: criteria provided, single submitter. Criteria: GeneDx Variant Classification Process June 2021. Collection method: clinical testing. Allele origin: germline. Affected: yes.

Women's Health and Genetics/Laboratory Corporation of America, LabCorp
Classification: Benign. Last evaluated: 2019-02-15. Review status: criteria provided, single submitter. Criteria: LabCorp Variant Classification Summary - May 2015. Collection method: clinical testing. Allele origin: germline.
Comment: Variant summary: PKHD1 c.9492C>T alters a non-conserved nucleotide resulting in a synonymous change. 5/5 computational tools predict no significant impact on normal splicing. However, these predictions have yet to be confirmed by functional studies. The variant allele was found at a frequency of 0.0018 in 282262 control chromosomes, predominantly within the East Asian subpopulation at a frequency of 0.018 in the gnomAD database, including 2 homozygotes. The observed variant frequency within East Asian control individuals in the gnomAD database is approximately 2.5-fold of the estimated maximal expected allele frequency for a pathogenic variant in PKHD1 causing Polycystic Kidney and Hepatic Disease phenotype (0.0071), strongly suggesting that the variant is a benign polymorphism found primarily in populations of East Asian origin. Moreover, the variant was also reported in Japanese healthy controls with a frequency of 0.0256 (including 2 homozygotes) that is approximately 3.6-fold higher than the estimated maximal expected allele frequency for a pathogenic PKHD1 variant, further supporting that the variant is a benign polymorphism found primarily in populations of East Asian origin (HGVD). c.9492C>T has also been reported in the literature in healthy control individuals (e.g. Furu 2003, Bergmann 2005). To our knowledge, no experimental evidence demonstrating an impact on protein function has been reported. No clinical diagnostic laboratories have submitted clinical-significance assessments for this variant to ClinVar after 2014. Based on the evidence outlined above, the variant was classified as benign.

Illumina Laboratory Services, Illumina
Classification: Likely benign for Polycystic kidney disease 4. Last evaluated: 2017-04-27. Review status: criteria provided, single submitter. Criteria: ICSL Variant Classification Criteria 13 December 2019. Collection method: clinical testing. Allele origin: germline.
Comment: This variant was observed as part of a predisposition screen in an ostensibly healthy population. A literature search was performed for the gene, cDNA change, and amino acid change (where applicable). Publications were found based on this search. The evidence from the literature, in combination with allele frequency data from public databases where available, was sufficient to determine this variant is unlikely to cause disease. Therefore, this variant is classified as likely benign.

Eurofins Ntd Llc (ga)
Classification: Benign. Last evaluated: 2012-08-09. Review status: criteria provided, single submitter. Criteria: EGL Classification Definitions 2015. Collection method: clinical testing. Allele origin: germline. Observed: 2 variant alleles, 2 heterozygotes.

Natera, Inc.
Classification: Likely benign for Autosomal recessive polycystic kidney disease. Last evaluated: 2017-05-11. Review status: no assertion criteria provided. Collection method: clinical testing. Allele origin: germline. Not counted in ClinVar's aggregate classification.

Counsyl
Classification: Likely benign for Polycystic kidney disease, infantile type. Last evaluated: 2014-08-14. Review status: no assertion criteria provided. Collection method: literature only. Allele origin: unknown. Inheritance: Autosomal recessive inheritance. Not counted in ClinVar's aggregate classification.

Literature cited by the submitters: PubMed 21790888 (cited by Department of Pathology and Laboratory Medicine, Sinai Health System and Illumina Laboratory Services, Illumina); PubMed 12874454 (cited by 4 submitters); PubMed 15698423 (cited by 4 submitters); PubMed 15108277 (cited by Illumina Laboratory Services, Illumina and Counsyl).